The following is an entry in ClinVar:

ClinVar aggregate classification (germline): Conflicting classifications of pathogenicity. Review status: criteria provided, conflicting classifications (1 of 4 stars). 2 submissions from 2 submitters: Uncertain significance (1); Likely benign (1). Last evaluated 2025-05-01.

Allele frequency attached by ClinVar (database versions not stated): gnomAD 0.00032; 1000 Genomes Project 0.00040; TOPMed 0.00042; 1000 Genomes Project 30x 0.00047; ESP Exome Variant Server 0.00064.
gnomAD v4.1: 399 of 1,614,222 alleles (0.025%); highest among the groups gnomAD compares: Middle Eastern, 0.049%; 1 homozygote.

Submissions (2):

CeGaT Center for Human Genetics Tuebingen
Classification: Likely benign. Last evaluated: 2025-05-01. Review status: criteria provided, single submitter. Criteria: CeGaT Center For Human Genetics Tuebingen Variant Classification Criteria Version 2. Collection method: clinical testing. Allele origin: germline. Affected: yes. Observed: 1 variant allele.
Comment: DLEC1: BP4

Ambry Genetics
Classification: Uncertain significance. Last evaluated: 2023-09-12. Review status: criteria provided, single submitter. Criteria: Ambry Variant Classification Scheme 2023. Collection method: clinical testing. Allele origin: germline.

NM_007335.4(DLEC1):c.2557G>A (p.Val853Ile)

Gene: DLEC1 (DLEC1 cilia and flagella associated protein; plus strand). Cytogenetic location: 3p22.2.
Variant type: single nucleotide variant.
Coding change: c.2557G>A on transcript NM_007335.4 (MANE Select); coding-DNA position 2557, G replaced by A.
Protein change: p.Val853Ile; replaces valine 853 with isoleucine.
Molecular consequence: missense variant.
Genome position (GRCh38, 1-based): chr3:38,097,629, G>A. VCF-style: chr3-38097629-G-A. GRCh37 (hg19) VCF-style: chr3-38139120-G-A.
Other names: c.2557G>A, p.Val853Ile (NM_001321153.2, NM_005106.2, NM_007337.4); short protein forms V853I.
Identifiers: ClinVar variation 2591468 (VCV002591468.12), dbSNP rs202125600, ClinGen allele CA2314402.
Genomic context (GRCh38, chr3:38,097,629, plus strand): 5'-CAGGACCTGCTGTGTGAAATCGAAGACTCGCCCTCGCCAGTGGTGTTACACATTGAGGCT[G>A]TCTTTAAGGTGCTGCAGGTGGAGCTGGGCAGTGGGGTGGGCCCAGAGAGGTGGCAGGGCT-3'
Protein context (NP_031361.2, residues 843-863): PSPVVLHIEA[Val853Ile]FKGPALIINV